The following is an entry in ClinVar:

ClinVar aggregate classification (germline): Uncertain significance. Review status: criteria provided, multiple submitters, no conflicts (2 of 4 stars). 3 submissions from 3 submitters: Uncertain significance (3). Last evaluated 2021-07-15.

Conditions:
Developmental and epileptic encephalopathy, 5 (DEE5). Identifiers: Orphanet 3451, MedGen C3150731, MONDO:0013277, OMIM 613477.
Early-infantile DEE. Also called: Early infantile epileptic encephalopathy; Early infantile epileptic encephalopathy with suppression bursts; Ohtahara syndrome. Identifiers: Orphanet 1934, MedGen C0393706, MONDO:0800491.

Allele frequency attached by ClinVar (database versions not stated): ExAC below 0.00001; gnomAD exomes below 0.00001; TOPMed below 0.00001; gnomAD 0.00001.

Submissions (3):

Genome-Nilou Lab
Classification: Uncertain significance for Developmental and epileptic encephalopathy, 5. Last evaluated: 2021-07-15. Review status: criteria provided, single submitter. Criteria: ACMG Guidelines, 2015. Collection method: clinical testing. Allele origin: germline. Affected: no.

Labcorp Genetics (formerly Invitae), Labcorp
Classification: Uncertain significance for Early-infantile DEE. Last evaluated: 2021-04-03. Review status: criteria provided, single submitter. Criteria: Invitae Variant Classification Sherloc (09022015). Collection method: clinical testing. Allele origin: germline.
Comment: In summary, the available evidence is currently insufficient to determine the role of this variant in disease. Therefore, it has been classified as a Variant of Uncertain Significance. Algorithms developed to predict the effect of missense changes on protein structure and function are either unavailable or do not agree on the potential impact of this missense change (SIFT: "Deleterious"; PolyPhen-2: "Benign"; Align-GVGD: "Class C0"). This variant has not been reported in the literature in individuals with SPTAN1-related conditions. The frequency data for this variant in the population databases is considered unreliable, as metrics indicate poor data quality at this position in the ExAC database. This sequence change replaces methionine with valine at codon 1066 of the SPTAN1 protein (p.Met1066Val). The methionine residue is moderately conserved and there is a small physicochemical difference between methionine and valine.

Centre for Mendelian Genomics, University Medical Centre Ljubljana
Classification: Uncertain significance for Developmental and epileptic encephalopathy, 5. Last evaluated: 2019-10-07. Review status: criteria provided, single submitter. Criteria: ACMG Guidelines, 2015. Collection method: clinical testing. Allele origin: unknown. Affected: yes.
Comment: This variant was classified as: Uncertain significance. The available evidence on this variant's pathogenicity is insufficient or conflicting. The following ACMG criteria were applied in classifying this variant: PM2,BP1.

NM_001130438.3(SPTAN1):c.3196A>G (p.Met1066Val)

Gene: SPTAN1 (spectrin alpha, non-erythrocytic 1; plus strand). Cytogenetic location: 9q34.11.
Variant type: single nucleotide variant.
Coding change: c.3196A>G on transcript NM_001130438.3 (MANE Select); coding-DNA position 3196, A replaced by G.
Protein change: p.Met1066Val; replaces methionine 1066 with valine.
Molecular consequence: missense variant. On other transcripts: intron variant (3).
Genome position (GRCh38, 1-based): chr9:128,593,023, A>G. VCF-style: chr9-128593023-A-G. GRCh37 (hg19) VCF-style: chr9-131355302-A-G.
Other names: c.3196A>G, p.Met1066Val (NM_001363759.2, NM_001375310.1, NM_001375311.2 and 2 more transcripts); c.3232A>G, p.Met1078Val (NM_001375312.2, NM_001375318.1); c.3156-1152A>G (NM_001375314.2, NM_001363765.2, NM_001195532.2); short protein forms M1078V, M1066V.
Identifiers: ClinVar variation 930479 (VCV000930479.15), dbSNP rs764844675, ClinGen allele CA5264872.
Genomic context (GRCh38, chr9:128,593,023, plus strand): 5'-GCTGTGCCCCCTCTGTGCAGGACACGCATAACTAAGGAGGCCGGCAGTGTATCTCTGCGT[A>G]TGAAGCAGGTGGAAGAACTGTGAGTAGGCTGAGAGTCTTGCAGAGCACCAATGTCCACTG-3'
Protein context (NP_001123910.1, residues 1056-1076): TKEAGSVSLR[Met1066Val]KQVEELYHSL